The following is an entry in ClinVar:

ClinVar aggregate classification (germline): Likely benign. Review status: criteria provided, multiple submitters, no conflicts (2 of 4 stars). 3 submissions from 3 submitters: Likely benign (3). Last evaluated 2025-11-18.

Conditions:
Fanconi anemia complementation group J. Also called: BRIP1-Related Fanconi Anemia. Identifiers: Orphanet 84, MedGen C1836860, MONDO:0012187, OMIM 609054.
Familial cancer of breast. Also called: Hereditary breast cancer; BREAST CANCER, FAMILIAL; hereditary breast carcinoma. Identifiers: Orphanet 227535, MedGen C0346153, MONDO:0016419, OMIM 114480. Disease mechanism: loss of function.
Hereditary cancer-predisposing syndrome. Also called: Tumor predisposition; Neoplastic Syndromes, Hereditary; Hereditary Cancer Syndrome; Hereditary neoplastic syndrome. Identifiers: Orphanet 140162, MedGen C0027672, MeSH D009386, MONDO:0015356.

Allele frequency attached by ClinVar (database versions not stated): gnomAD exomes below 0.00001; TOPMed below 0.00001.
gnomAD v4.1: 1 of 1,602,186 alleles (0.000062%); highest among the groups gnomAD compares: African/African-American, 0.0013%; no homozygotes.

Submissions (3):

Labcorp Genetics (formerly Invitae), Labcorp
Classification: Likely benign for Familial cancer of breast; Fanconi anemia complementation group J. Last evaluated: 2025-11-18. Review status: criteria provided, single submitter. Criteria: Invitae Variant Classification Sherloc (09022015). Collection method: clinical testing. Allele origin: germline.

Myriad Genetics, Inc.
Classification: Likely benign for Familial cancer of breast. Last evaluated: 2024-08-23. Review status: criteria provided, single submitter. Criteria: Myriad Autosomal Dominant, Autosomal Recessive and X-Linked Classification Criteria (2023). Collection method: clinical testing. Allele origin: unknown.
Comment: This variant is considered likely benign. This variant is intronic and is not expected to impact mRNA splicing.

Color Diagnostics, LLC DBA Color Health
Classification: Likely benign for Hereditary cancer-predisposing syndrome. Last evaluated: 2017-02-06. Review status: criteria provided, single submitter. Criteria: ACMG Guidelines, 2015. Collection method: clinical testing. Allele origin: germline.

NM_032043.3(BRIP1):c.1140+10T>C

Gene: BRIP1 (BRCA1 interacting DNA helicase 1; minus strand). Cytogenetic location: 17q23.2.
Variant type: single nucleotide variant.
Coding change: c.1140+10T>C on transcript NM_032043.3 (MANE Select); 10 bases into the intron after coding-DNA position 1140, T replaced by C.
Molecular consequence: intron variant.
Genome position (GRCh38, 1-based): chr17:61,801,243, A>G on the plus strand (T>C on the coding strand, the complement: BRIP1 is on the minus strand). VCF-style: chr17-61801243-A-G. GRCh37 (hg19) VCF-style: chr17-59878604-A-G.
Identifiers: ClinVar variation 414686 (VCV000414686.15), dbSNP rs1060504332, ClinGen allele CA16615509.